The following is an entry in ClinVar:

NM_012186.3(FOXE3):c.802C>T (p.Arg268Cys)

Genes: FOXE3 (forkhead box E3; plus strand), LINC01389 (long independently transcribed non-coding RNA 1389; minus strand). Cytogenetic location: 1p33.
Variant type: single nucleotide variant.
Coding change: c.802C>T on transcript NM_012186.3 (MANE Select); coding-DNA position 802, C replaced by T.
Protein change: p.Arg268Cys; replaces arginine 268 with cysteine.
Molecular consequence: missense variant.
Genome position (GRCh38, 1-based): chr1:47,417,117, C>T. VCF-style: chr1-47417117-C-T. GRCh37 (hg19) VCF-style: chr1-47882789-C-T.
Other names: short protein forms R268C.
Identifiers: ClinVar variation 3226215 (VCV003226215.3), dbSNP rs776244154, ClinGen allele CA843012.

ClinVar aggregate classification (germline): Uncertain significance. Review status: criteria provided, multiple submitters, no conflicts (2 of 4 stars). 2 submissions from 2 submitters: Uncertain significance (2). Last evaluated 2024-04-15.

Conditions:
Anterior segment dysgenesis. Also called: Ocular anterior segment dysgenesis. Identifiers: Orphanet 88632, MedGen C1862839, MONDO:0019503, HP:0007700.
Congenital primary aphakia. Also called: Anterior segment dysgenesis 2, multiple subtypes; ANTERIOR SEGMENT DYSGENESIS 2. Identifiers: Orphanet 83461, MedGen C1853230, MONDO:0012456, OMIM 610256.
Cardiovascular phenotype. Identifiers: MedGen CN230736.

Allele frequency attached by ClinVar (database versions not stated): ExAC 0.00010.
gnomAD v4.1: 2 of 1,399,042 alleles (0.00014%); highest among the groups gnomAD compares: Middle Eastern, 0.026%; no homozygotes.

Submissions (2):

Labcorp Genetics (formerly Invitae), Labcorp
Classification: Uncertain significance for Anterior segment dysgenesis; Congenital primary aphakia. Last evaluated: 2024-04-15. Review status: criteria provided, single submitter. Criteria: Invitae Variant Classification Sherloc (09022015). Collection method: clinical testing. Allele origin: germline.
Comment: This sequence change replaces arginine, which is basic and polar, with cysteine, which is neutral and slightly polar, at codon 268 of the FOXE3 protein (p.Arg268Cys). The frequency data for this variant in the population databases is considered unreliable, as metrics indicate poor data quality at this position in the gnomAD database. This variant has not been reported in the literature in individuals affected with FOXE3-related conditions. Advanced modeling of protein sequence and biophysical properties (such as structural, functional, and spatial information, amino acid conservation, physicochemical variation, residue mobility, and thermodynamic stability) has been performed at Invitae for this missense variant, however the output from this modeling did not meet the statistical confidence thresholds required to predict the impact of this variant on FOXE3 protein function. In summary, the available evidence is currently insufficient to determine the role of this variant in disease. Therefore, it has been classified as a Variant of Uncertain Significance.

Ambry Genetics
Classification: Uncertain significance for Cardiovascular phenotype. Last evaluated: 2023-12-31. Review status: criteria provided, single submitter. Criteria: Ambry Variant Classification Scheme 2023. Collection method: clinical testing. Allele origin: germline.
Comment: The p.R268C variant (also known as c.802C>T), located in coding exon 1 of the FOXE3 gene, results from a C to T substitution at nucleotide position 802. The arginine at codon 268 is replaced by cysteine, an amino acid with highly dissimilar properties. This amino acid position is conserved. In addition, the in silico prediction for this alteration is inconclusive. Since supporting evidence is limited at this time, the clinical significance of this alteration remains unclear.